The following is an entry in ClinVar:

ClinVar aggregate classification (germline): Conflicting classifications of pathogenicity. Review status: criteria provided, conflicting classifications (1 of 4 stars). 11 submissions from 11 submitters: Uncertain significance (8); Likely benign (1). 2 of the submissions do not count toward it. Last evaluated 2026-07-28.

Conditions:
TMEM127-related disorder. Also called: TMEM127-related condition.
Hereditary cancer-predisposing syndrome. Also called: Neoplastic Syndromes, Hereditary; Tumor predisposition; Hereditary neoplastic syndrome; Hereditary Cancer Syndrome. Identifiers: Orphanet 140162, MedGen C0027672, MeSH D009386, MONDO:0015356.
Hereditary pheochromocytoma and paraganglioma. Also called: Hereditary Paraganglioma-Pheochromocytoma Syndromes; Hereditary paragangliomas and pheochromocytomas; Hereditary pheochromocytoma-paraganglioma. Identifiers: Orphanet 29072, MedGen C4274332, MONDO:0017366.
Pheochromocytoma. Also called: MAX-Related Hereditary Paraganglioma-Pheochromocytoma Syndrome. Identifiers: Orphanet 29072, MedGen C0031511, MONDO:0008233, OMIM 171300, HP:0002666.

Allele frequency attached by ClinVar (database versions not stated): ESP Exome Variant Server 0.00015; gnomAD 0.00004 and 0.00003; gnomAD exomes 0.00004 and 0.00009; ExAC 0.00007; TOPMed 0.00003.
gnomAD v4.1: 139 of 1,611,434 alleles (0.0086%); highest among the groups gnomAD compares: Non-Finnish European, 0.011%; no homozygotes.

Submissions (11):

Myriad Genetics, Inc.
Classification: Likely benign for Hereditary pheochromocytoma and paraganglioma. Last evaluated: 2026-07-28. Review status: criteria provided, single submitter. Criteria: Myriad Autosomal Dominant, Autosomal Recessive and X-Linked Classification Criteria (2023). Collection method: clinical testing. Allele origin: unknown.
Comment: This variant is considered likely benign. This variant has been observed at a population frequency that is significantly greater than expected given the associated disease prevalence and penetrance.

Labcorp Genetics (formerly Invitae), Labcorp
Classification: Uncertain significance for Hereditary pheochromocytoma and paraganglioma. Last evaluated: 2026-01-18. Review status: criteria provided, single submitter. Criteria: Invitae Variant Classification Sherloc (09022015). Collection method: clinical testing. Allele origin: germline.
Comment: This sequence change replaces glycine, which is neutral and non-polar, with arginine, which is basic and polar, at codon 73 of the TMEM127 protein (p.Gly73Arg). This variant is present in population databases (rs121908820, gnomAD 0.008%). This missense change has been observed in individual(s) with pheochromocytoma (PMID: 21156949). ClinVar contains an entry for this variant (Variation ID: 126965). An algorithm developed to predict the effect of missense changes on protein structure and function (PolyPhen-2) suggests that this variant is likely to be disruptive. Experimental studies have shown that this missense change does not substantially affect TMEM127 function (PMID: 32575117). In summary, the available evidence is currently insufficient to determine the role of this variant in disease. Therefore, it has been classified as a Variant of Uncertain Significance.

Ambry Genetics
Classification: Uncertain significance for Hereditary cancer-predisposing syndrome. Last evaluated: 2025-10-10. Review status: criteria provided, single submitter. Criteria: Ambry Variant Classification Scheme 2023. Collection method: clinical testing. Allele origin: germline.
Comment: The p.G73R variant (also known as c.217G>C), located in coding exon 1 of the TMEM127 gene, results from a G to C substitution at nucleotide position 217. The glycine at codon 73 is replaced by arginine, an amino acid with dissimilar properties. This amino acid position is highly conserved in available vertebrate species. In addition, this alteration is predicted to be deleterious by in silico analysis. Based on the available evidence, the clinical significance of this variant remains unclear.

Quest Diagnostics Nichols Institute San Juan Capistrano
Classification: Uncertain significance. Last evaluated: 2025-07-08. Review status: criteria provided, single submitter. Criteria: Quest Diagnostics criteria. Collection method: clinical testing. Allele origin: unknown.
Comment: The TMEM127 c.217G>C (p.Gly73Arg) variant has been reported in the published literature in an individual with pheochromocytoma (PMID: 21156949 (2010)). A published functional study has reported that this variant does not have a deleterious effect on TMEM127 protein localization and expression (PMID: 32575117 (2020)), however additional studies are required to determine the global effect of this variant on TMEM127 protein function. The frequency of this variant in the general population (Genome Aggregation Database) is higher than would generally be expected for pathogenic variants in this gene. Analysis of this variant using bioinformatics tools for the prediction of the effect of amino acid changes on protein structure and function yielded predictions that this variant is damaging. Based on the available information, we are unable to determine the clinical significance of this variant.

GeneDx
Classification: Uncertain significance. Last evaluated: 2025-05-14. Review status: criteria provided, single submitter. Criteria: GeneDx Variant Classification Process June 2021. Collection method: clinical testing. Allele origin: germline. Affected: yes.
Comment: Observed in an individual with pheochromocytoma (PMID: 21156949); Published functional studies demonstrate no damaging effect: cellular localization and protein expression levels similar to wildtype (PMID: 32575117); In silico analysis suggests that this missense variant does not alter protein structure/function; This variant is associated with the following publications: (PMID: 25637381, 32575117, 33051659, 21156949, 22136840, 37937776)

PreventionGenetics, part of Exact Sciences
Classification: Uncertain significance for TMEM127-related condition. Last evaluated: 2024-10-17. Review status: criteria provided, single submitter. Criteria: ACMG Guidelines, 2015. Collection method: clinical testing. Allele origin: germline.
Comment: The TMEM127 c.217G>C variant is predicted to result in the amino acid substitution p.Gly73Arg. This variant was reported in an individual with phaeochromocytoma (Yao et al. 2010. PubMed ID: 21156949). Functional studies of this variant have shown that this variant does not have a deleterious effect on TMEM127 protein localization and expression (Flores et al. 2020. PubMed ID: 32575117). This variant is reported in 0.0081% of alleles in individuals of European (Non-Finnish) descent in gnomAD and is interpreted as uncertain in ClinVar. At this time, the clinical significance of this variant is uncertain due to the absence of conclusive functional and genetic evidence.

St. Jude Molecular Pathology, St. Jude Children's Research Hospital
Classification: Uncertain significance for Pheochromocytoma. Last evaluated: 2024-03-07. Review status: criteria provided, single submitter. Criteria: St. Jude Assertion Criteria 2020. Collection method: clinical testing. Allele origin: germline.
Comment: The TMEM127 c.217G>C (p.Gly73Arg) missense change has a maximum subpopulation frequency of 0.008% in gnomAD v2.1.1. The in silico tool REVEL is inconclusive about a pathogenic or benign effect of this variant on protein function. This variant has been reported in an individual with pheochromocytoma (PMID: 22136840). In summary, the evidence currently available is insufficient to determine the clinical significance of this variant. It has therefore been classified as of uncertain significance.

Fulgent Genetics
Classification: Uncertain significance for Pheochromocytoma. Last evaluated: 2024-01-01. Review status: criteria provided, single submitter. Criteria: ACMG Guidelines, 2015. Collection method: clinical testing. Allele origin: germline.

Baylor Genetics
Classification: Uncertain significance for Pheochromocytoma. Last evaluated: 2023-07-12. Review status: criteria provided, single submitter. Criteria: ACMG Guidelines, 2015. Collection method: clinical testing. Allele origin: unknown.

CSER _CC_NCGL, University of Washington
Classification: Likely benign for Phaeochromocytoma. Last evaluated: 2014-06-01. Review status: no assertion criteria provided. Collection method: research. Allele origin: germline. Inheritance: Autosomal dominant inheritance. Study: ESP 6500 variant annotation. Not counted in ClinVar's aggregate classification.
Comment: Variants classified for the Actionable exomic incidental findings in 6503 participants: challenges of variant classification manuscript

Familial Cancer Clinic, Veneto Institute of Oncology
Classification: Likely pathogenic for Pheochromocytoma. Review status: no assertion criteria provided. Collection method: not provided. Allele origin: germline. Not counted in ClinVar's aggregate classification.
ClinVar note: Converted during submission from likely pathogenic - adrenal pheochromocytoma to Likely pathogenic.

Literature cited by the submitters: PubMed 21156949 (cited by 3 submitters); PubMed 32575117 (cited by 3 submitters); PubMed 25637381 (cited by Ambry Genetics and Quest Diagnostics Nichols Institute San Juan Capistrano); PubMed 33051659 (cited by Quest Diagnostics Nichols Institute San Juan Capistrano).

NM_017849.4(TMEM127):c.217G>C (p.Gly73Arg)

Gene: TMEM127 (transmembrane protein 127; minus strand). Cytogenetic location: 2q11.2.
Variant type: single nucleotide variant.
Coding change: c.217G>C on transcript NM_017849.4 (MANE Select); coding-DNA position 217, G replaced by C.
Protein change: p.Gly73Arg; replaces glycine 73 with arginine.
Molecular consequence: missense variant.
Genome position (GRCh38, 1-based): chr2:96,265,165, C>G on the plus strand (G>C on the coding strand, the complement: TMEM127 is on the minus strand). VCF-style: chr2-96265165-C-G. GRCh37 (hg19) VCF-style: chr2-96930903-C-G.
Other names: c.217G>C, p.Gly73Arg (NM_001193304.3); short protein forms G73R.
Identifiers: ClinVar variation 126965 (VCV000126965.28), dbSNP rs121908820, ClinGen allele CA269743.
Genomic context (GRCh38, chr2:96,265,165, plus strand): 5'-GAGGCTTTAAGGGCCAGCGCGCAGCACCCTCACCTTTCAGCAGGTCCGGGTGCACATAGC[C>G]CAACACGTCGGAGACCCCCAGCTCCTGGCGCGAACAGGTGCCTCCGTGGATGTGCAACCA-3'
Protein context (NP_060319.1, residues 63-83): RQELGVSDVL[Gly73Arg]YVHPDLLKDF